The following is an entry in ClinVar:

NM_001385012.1(NBEA):c.3055C>G (p.Pro1019Ala)

Gene: NBEA (neurobeachin; plus strand). Cytogenetic location: 13q13.3.
Variant type: single nucleotide variant.
Coding change: c.3055C>G on transcript NM_001385012.1 (MANE Select); coding-DNA position 3055, C replaced by G.
Protein change: p.Pro1019Ala; replaces proline 1019 with alanine.
Molecular consequence: missense variant.
Genome position (GRCh38, 1-based): chr13:35,159,226, C>G. VCF-style: chr13-35159226-C-G. GRCh37 (hg19) VCF-style: chr13-35733363-C-G.
Other names: c.3055C>G, p.Pro1019Ala (NM_001379245.1, NM_015678.5); short protein forms P1019A.
Identifiers: ClinVar variation 1800620 (VCV001800620.1), dbSNP rs759732645, ClinGen allele CA387836636.

ClinVar aggregate classification (germline): Uncertain significance (1 of 4 stars; one submission).

Submission:

GeneDx
Classification: Uncertain significance. Last evaluated: 2022-05-20. Review status: criteria provided, single submitter. Criteria: GeneDx Variant Classification Process June 2021. Collection method: clinical testing. Allele origin: germline. Affected: yes.
Comment: Not observed at significant frequency in large population cohorts (gnomAD); In silico analysis supports that this missense variant does not alter protein structure/function; Has not been previously published as pathogenic or benign to our knowledge